The following is an entry in ClinVar:

NM_138927.4(SON):c.4472C>T (p.Ser1491Phe)

Gene: SON (SON DNA and RNA binding protein; plus strand). Cytogenetic location: 21q22.11.
Variant type: single nucleotide variant.
Coding change: c.4472C>T on transcript NM_138927.4 (MANE Select); coding-DNA position 4472, C replaced by T.
Protein change: p.Ser1491Phe; replaces serine 1491 with phenylalanine.
Molecular consequence: missense variant. On other transcripts: non-coding transcript variant (1), intron variant (1).
Genome position (GRCh38, 1-based): chr21:33,553,703, C>T. VCF-style: chr21-33553703-C-T. GRCh37 (hg19) VCF-style: chr21-34926009-C-T.
Other names: c.4472C>T (NM_138927.2); c.4472C>T, p.Ser1491Phe (NM_001291411.2, NM_001412133.1, NM_032195.3 and 2 more transcripts); c.245-3453C>T (NM_001291412.3); short protein forms S1491F.
Identifiers: ClinVar variation 2181734 (VCV002181734.6), dbSNP rs146720903, ClinGen allele CA10009534.

ClinVar aggregate classification (germline): Likely benign. Review status: criteria provided, single submitter (1 of 4 stars). 2 submissions from 2 submitters: Likely benign (1). 1 of the submissions does not count toward it. Last evaluated 2023-12-07.

Conditions:
SON-related disorder. Also called: SON-related condition.

Allele frequency attached by ClinVar (database versions not stated): ExAC 0.00002; gnomAD exomes 0.00003; ESP Exome Variant Server 0.00008.
gnomAD v4.1: 36 of 1,614,004 alleles (0.0022%); highest among the groups gnomAD compares: Non-Finnish European, 0.003%; no homozygotes.

Submissions (2):

Labcorp Genetics (formerly Invitae), Labcorp
Classification: Likely benign. Last evaluated: 2023-12-07. Review status: criteria provided, single submitter. Criteria: Invitae Variant Classification Sherloc (09022015). Collection method: clinical testing. Allele origin: germline.

PreventionGenetics, part of Exact Sciences
Classification: Likely benign for SON-related condition. Last evaluated: 2023-03-27. Review status: no assertion criteria provided. Collection method: clinical testing. Allele origin: germline. Not counted in ClinVar's aggregate classification.
Comment: This variant is classified as likely benign based on ACMG/AMP sequence variant interpretation guidelines (Richards et al. 2015 PMID: 25741868, with internal and published modifications).